The following is an entry in ClinVar:

NM_172107.4(KCNQ2):c.1459G>C (p.Gly487Arg)

Gene: KCNQ2 (potassium voltage-gated channel subfamily Q member 2; minus strand). Cytogenetic location: 20q13.33.
Variant type: single nucleotide variant.
Coding change: c.1459G>C on transcript NM_172107.4 (MANE Select); coding-DNA position 1459, G replaced by C.
Protein change: p.Gly487Arg; replaces glycine 487 with arginine.
Molecular consequence: missense variant.
Genome position (GRCh38, 1-based): chr20:63,414,969, C>G on the plus strand (G>C on the coding strand, the complement: KCNQ2 is on the minus strand). VCF-style: chr20-63414969-C-G. GRCh37 (hg19) VCF-style: chr20-62046322-C-G.
Other names: c.1405G>C, p.Gly469Arg (NM_001382235.1, NM_172106.3); c.1375G>C, p.Gly459Arg (NM_004518.6); c.1369G>C, p.Gly457Arg (NM_172108.5); short protein forms G457R, G487R, G459R, G469R.
Identifiers: ClinVar variation 1957292 (VCV001957292.5), dbSNP rs765301241, ClinGen allele CA409646382.

ClinVar aggregate classification (germline): Uncertain significance (1 of 4 stars; one submission).

Conditions:
Early-infantile DEE. Also called: Ohtahara syndrome; Early infantile epileptic encephalopathy with suppression bursts; Early infantile epileptic encephalopathy. Identifiers: Orphanet 1934, MedGen C0393706, MONDO:0800491.

Allele frequency attached by ClinVar (database versions not stated): TOPMed below 0.00001.
gnomAD v4.1: 2 of 1,612,296 alleles (0.00012%); highest among the groups gnomAD compares: Non-Finnish European, 0.00017%; no homozygotes.

Submission:

Labcorp Genetics (formerly Invitae), Labcorp
Classification: Uncertain significance for Early-infantile DEE. Last evaluated: 2022-09-12. Review status: criteria provided, single submitter. Criteria: Invitae Variant Classification Sherloc (09022015). Collection method: clinical testing. Allele origin: germline.
Comment: In summary, the available evidence is currently insufficient to determine the role of this variant in disease. Therefore, it has been classified as a Variant of Uncertain Significance. Algorithms developed to predict the effect of missense changes on protein structure and function are either unavailable or do not agree on the potential impact of this missense change (SIFT: "Deleterious"; PolyPhen-2: "Possibly Damaging"; Align-GVGD: "Class C0"). This sequence change replaces glycine, which is neutral and non-polar, with arginine, which is basic and polar, at codon 487 of the KCNQ2 protein (p.Gly487Arg). This variant is not present in population databases (gnomAD no frequency). This variant has not been reported in the literature in individuals affected with KCNQ2-related conditions.